The following is an entry in ClinVar:

NM_015338.6(ASXL1):c.3806C>G (p.Ser1269Trp)

Gene: ASXL1 (ASXL transcriptional regulator 1; plus strand). Cytogenetic location: 20q11.21.
Variant type: single nucleotide variant.
Coding change: c.3806C>G on transcript NM_015338.6 (MANE Select); coding-DNA position 3806, C replaced by G.
Protein change: p.Ser1269Trp; replaces serine 1269 with tryptophan.
Molecular consequence: missense variant.
Genome position (GRCh38, 1-based): chr20:32,436,518, C>G. VCF-style: chr20-32436518-C-G. GRCh37 (hg19) VCF-style: chr20-31024321-C-G.
Other names: c.3623C>G, p.Ser1208Trp (NM_001363734.1); short protein forms S1269W, S1208W.
Identifiers: ClinVar variation 2802418 (VCV002802418.5), dbSNP rs747065583, ClinGen allele CA408563841.

ClinVar aggregate classification (germline): Uncertain significance. Review status: criteria provided, multiple submitters, no conflicts (2 of 4 stars). 2 submissions from 2 submitters: Uncertain significance (2). Last evaluated 2025-12-27.

Conditions:
Inborn genetic diseases. Identifiers: MedGen C0950123, MeSH D030342.

Allele frequency attached by ClinVar (database versions not stated): TOPMed 0.00001; gnomAD 0.00001.

Submissions (2):

Labcorp Genetics (formerly Invitae), Labcorp
Classification: Uncertain significance. Last evaluated: 2025-12-27. Review status: criteria provided, single submitter. Criteria: Invitae Variant Classification Sherloc (09022015). Collection method: clinical testing. Allele origin: germline.
Comment: This sequence change replaces serine, which is neutral and polar, with tryptophan, which is neutral and slightly polar, at codon 1269 of the ASXL1 protein (p.Ser1269Trp). This variant is not present in population databases (gnomAD no frequency). This variant has not been reported in the literature in individuals affected with ASXL1-related conditions. ClinVar contains an entry for this variant (Variation ID: 2802418). An algorithm developed to predict the effect of missense changes on protein structure and function (PolyPhen-2) suggests that this variant is likely to be disruptive. In summary, the available evidence is currently insufficient to determine the role of this variant in disease. Therefore, it has been classified as a Variant of Uncertain Significance.

Ambry Genetics
Classification: Uncertain significance for Inborn genetic diseases. Last evaluated: 2025-02-26. Review status: criteria provided, single submitter. Criteria: Ambry Variant Classification Scheme 2023. Collection method: clinical testing. Allele origin: germline.
Comment: The p.S1269W variant (also known as c.3806C>G), located in coding exon 13 of the ASXL1 gene, results from a C to G substitution at nucleotide position 3806. The serine at codon 1269 is replaced by tryptophan, an amino acid with highly dissimilar properties. This amino acid position is conserved. In addition, this alteration is predicted to be tolerated by in silico analysis. Based on the available evidence, the clinical significance of this variant remains unclear.